The following is an entry in ClinVar:

NM_015374.3(SUN2):c.854G>A (p.Arg285Gln)

Genes: GTPBP1 (GTP binding protein 1; plus strand), SUN2 (Sad1 and UNC84 domain containing 2; minus strand). Cytogenetic location: 22q13.1.
Variant type: single nucleotide variant.
Coding change: c.854G>A on transcript NM_015374.3 (MANE Select); coding-DNA position 854, G replaced by A.
Protein change: p.Arg285Gln; replaces arginine 285 with glutamine.
Molecular consequence: missense variant.
Genome position (GRCh38, 1-based): chr22:38,742,515, C>T on the plus strand (G>A on the coding strand, the complement: SUN2 is on the minus strand). VCF-style: chr22-38742515-C-T. GRCh37 (hg19) VCF-style: chr22-39138520-C-T.
Other names: c.917G>A, p.Arg306Gln (NM_001199579.2); c.854G>A, p.Arg285Gln (NM_001199580.2); short protein forms R285Q, R306Q.
Identifiers: ClinVar variation 639248 (VCV000639248.10), dbSNP rs760591672, ClinGen allele CA10235730.

ClinVar aggregate classification (germline): Uncertain significance. Review status: criteria provided, multiple submitters, no conflicts (2 of 4 stars). 2 submissions from 2 submitters: Uncertain significance (2). Last evaluated 2023-08-19.

Conditions:
Emery-Dreifuss muscular dystrophy (EDMD). Also called: Scapuloperoneal syndrome, X-linked (formerly); Humeroperoneal neuromuscular disease, (formerly). Identifiers: Orphanet 261, MedGen C0410189, MONDO:0016830.

Allele frequency attached by ClinVar (database versions not stated): gnomAD exomes 0.00002 and 0.00004; TOPMed 0.00007; ExAC 0.00008.
gnomAD v4.1: 41 of 1,613,090 alleles (0.0025%); highest among the groups gnomAD compares: East Asian, 0.0045%; no homozygotes.

Submissions (2):

Ambry Genetics
Classification: Uncertain significance. Last evaluated: 2023-08-19. Review status: criteria provided, single submitter. Criteria: Ambry Variant Classification Scheme 2023. Collection method: clinical testing. Allele origin: germline.

Labcorp Genetics (formerly Invitae), Labcorp
Classification: Uncertain significance for Emery-Dreifuss muscular dystrophy. Last evaluated: 2023-05-15. Review status: criteria provided, single submitter. Criteria: Invitae Variant Classification Sherloc (09022015). Collection method: clinical testing. Allele origin: germline.
Comment: In summary, the available evidence is currently insufficient to determine the role of this variant in disease. Therefore, it has been classified as a Variant of Uncertain Significance. An algorithm developed to predict the effect of missense changes on protein structure and function (PolyPhen-2) suggests that this variant is likely to be disruptive. ClinVar contains an entry for this variant (Variation ID: 639248). This variant has not been reported in the literature in individuals affected with SUN2-related conditions. This variant is present in population databases (rs760591672, gnomAD 0.009%). This sequence change replaces arginine, which is basic and polar, with glutamine, which is neutral and polar, at codon 285 of the SUN2 protein (p.Arg285Gln).